The following is an entry in ClinVar:

ClinVar aggregate classification (germline): Likely benign (1 of 4 stars; one submission).

Conditions:
ODAD4-related disorder. Also called: ODAD4-related condition.

gnomAD v4.1: 219 of 1,591,806 alleles (0.014%); highest among the groups gnomAD compares: African/African-American, 0.27%; 1 homozygote.

Submission:

PreventionGenetics, part of Exact Sciences
Classification: Likely benign for ODAD4-related condition. Last evaluated: 2026-08-04. Review status: criteria provided, single submitter. Criteria: ACMG Guidelines, 2015. Collection method: clinical testing. Allele origin: germline.
Comment: This variant is classified as likely benign based on ACMG/AMP sequence variant interpretation guidelines (Richards et al. 2015 PMID: 25741868, with internal and published modifications).

NM_031421.5(ODAD4):c.62A>G (p.Glu21Gly)

Gene: ODAD4 (outer dynein arm docking complex subunit 4; plus strand). Cytogenetic location: 17q21.2.
Variant type: single nucleotide variant.
Coding change: c.62A>G on transcript NM_031421.5 (MANE Select); coding-DNA position 62, A replaced by G.
Protein change: p.Glu21Gly; replaces glutamic acid 21 with glycine.
Molecular consequence: missense variant. On other transcripts: non-coding transcript variant (3).
Genome position (GRCh38, 1-based): chr17:41,930,785, A>G. VCF-style: chr17-41930785-A-G. GRCh37 (hg19) VCF-style: chr17-40087038-A-G.
Other names: c.62A>G, p.Glu21Gly (NM_001350319.2); short protein forms E21G.
Identifiers: ClinVar variation 4981574 (VCV004981574.1).